The following is an entry in ClinVar:

ClinVar aggregate classification (germline): Uncertain significance. Review status: criteria provided, multiple submitters, no conflicts (2 of 4 stars). 2 submissions from 2 submitters: Uncertain significance (2). Last evaluated 2023-11-28.

Conditions:
Insulin-dependent diabetes mellitus secretory diarrhea syndrome (IPEX). Also called: IMMUNODEFICIENCY, POLYENDOCRINOPATHY, AND ENTEROPATHY, X-LINKED; Immunodeficiency, Polyendocrinopathy, and Enteropathy X-Linked Syndrome; X-Linked Syndrome of Polyendocrinopathy, Immune Dysfunction, and Diarrhea; X-Linked Autoimmunity-Allergic Dysregulation Syndrome; Immune dysregulation-polyendocrinopathy-enteropathy-X-linked syndrome; DIABETES MELLITUS, CONGENITAL INSULIN-DEPENDENT, WITH FATAL SECRETORY DIARRHEA. Identifiers: Orphanet 37042, MedGen C0342288, MONDO:0010580, OMIM 304790. Disease mechanism: loss of function.

Submissions (2):

GeneDx
Classification: Uncertain significance. Last evaluated: 2023-11-28. Review status: criteria provided, single submitter. Criteria: GeneDx Variant Classification Process June 2021. Collection method: clinical testing. Allele origin: germline. Affected: yes.
Comment: Not observed at significant frequency in large population cohorts (gnomAD); In silico analysis supports that this missense variant does not alter protein structure/function; Has not been previously published as pathogenic or benign to our knowledge

Labcorp Genetics (formerly Invitae), Labcorp
Classification: Uncertain significance for Insulin-dependent diabetes mellitus secretory diarrhea syndrome. Last evaluated: 2023-04-06. Review status: criteria provided, single submitter. Criteria: Invitae Variant Classification Sherloc (09022015). Collection method: clinical testing. Allele origin: germline.
Comment: This variant is not present in population databases (gnomAD no frequency). This sequence change replaces valine, which is neutral and non-polar, with leucine, which is neutral and non-polar, at codon 140 of the FOXP3 protein (p.Val140Leu). This variant has not been reported in the literature in individuals affected with FOXP3-related conditions. Advanced modeling of protein sequence and biophysical properties (such as structural, functional, and spatial information, amino acid conservation, physicochemical variation, residue mobility, and thermodynamic stability) performed at Invitae indicates that this missense variant is not expected to disrupt FOXP3 protein function. In summary, the available evidence is currently insufficient to determine the role of this variant in disease. Therefore, it has been classified as a Variant of Uncertain Significance.

NM_014009.4(FOXP3):c.418G>C (p.Val140Leu)

Gene: FOXP3 (forkhead box P3; minus strand). Cytogenetic location: Xp11.23.
Variant type: single nucleotide variant.
Coding change: c.418G>C on transcript NM_014009.4 (MANE Select); coding-DNA position 418, G replaced by C.
Protein change: p.Val140Leu; replaces valine 140 with leucine.
Molecular consequence: missense variant.
Genome position (GRCh38, 1-based): chrX:49,257,463, C>G on the plus strand (G>C on the coding strand, the complement: FOXP3 is on the minus strand). VCF-style: chrX-49257463-C-G. GRCh37 (hg19) VCF-style: chrX-49113920-C-G.
Other names: c.313G>C, p.Val105Leu (NM_001114377.2); short protein forms V105L, V140L.
Identifiers: ClinVar variation 2852873 (VCV002852873.4), dbSNP rs1557116533, ClinGen allele CA412952854.
Genomic context (GRCh38, chrX:49,257,463, plus strand): 5'-ATGGGGTACGGGCTGAGGTGTTACCAGGTGGGAGGCCAGGCCGGGCCTTGAGGGAGAAGA[C>G]CCCAGTGGCGGTGGTGGGTGGTGTGAGGCTGATCATGGCTGGGCTCTCCAGGGGGTGCAC-3'
Protein context (NP_054728.2, residues 130-150): SLTPPTTATG[Val140Leu]FSLKARPGLP